The following is an entry in ClinVar:

ClinVar aggregate classification (germline): Conflicting classifications of pathogenicity. Review status: criteria provided, conflicting classifications (1 of 4 stars). 2 submissions from 2 submitters: Uncertain significance (1); Likely benign (1). Last evaluated 2026-05-05.

Conditions:
Chuvash polycythemia. Also called: POLYCYTHEMIA, VHL-DEPENDENT. Identifiers: Orphanet 238557, MedGen C1837915, MONDO:0009892, OMIM 263400.
Von Hippel-Lindau syndrome (VHLS). Also called: von Hippel–Lindau syndrome; VHL syndrome; Von Hippel-Lindau. Identifiers: Orphanet 892, MedGen C0019562, MONDO:0008667, OMIM 193300. Disease mechanism: loss of function.
Hereditary cancer-predisposing syndrome. Also called: Hereditary Cancer Syndrome; Tumor predisposition; Hereditary neoplastic syndrome; Neoplastic Syndromes, Hereditary. Identifiers: Orphanet 140162, MedGen C0027672, MeSH D009386, MONDO:0015356.

Submissions (2):

Ambry Genetics
Classification: Likely benign for Hereditary cancer-predisposing syndrome. Last evaluated: 2026-05-05. Review status: criteria provided, single submitter. Criteria: Ambry Variant Classification Scheme 2023. Collection method: clinical testing. Allele origin: germline.

Labcorp Genetics (formerly Invitae), Labcorp
Classification: Uncertain significance for Von Hippel-Lindau syndrome; Chuvash polycythemia. Last evaluated: 2016-10-22. Review status: criteria provided, single submitter. Criteria: Invitae Variant Classification Sherloc (09022015). Collection method: clinical testing. Allele origin: germline.
Comment: In summary, this variant is a novel missense change that is not predicted to affect protein function. There is no indication that it causes disease, but the available evidence is currently insufficient to prove that conclusively. Therefore, it has been classified as a Variant of Uncertain Significance. Algorithms developed to predict the effect of missense changes on protein structure and function (SIFT, PolyPhen-2, Align-GVGD) all suggest that this variant is likely to be tolerated, but these predictions have not been confirmed by published functional studies. This variant is not present in population databases (ExAC no frequency) and has not been reported in the literature in individuals with a VHL-related disease. This sequence change replaces isoleucine with leucine at codon 75 of the VHL protein (p.Ile75Leu). The isoleucine residue is moderately conserved and there is a small physicochemical difference between isoleucine and leucine.

Literature cited by the submitters: PubMed 38969834 (cited by Ambry Genetics).

NM_000551.4(VHL):c.223A>C (p.Ile75Leu)

Gene: VHL (von Hippel-Lindau tumor suppressor; plus strand). Cytogenetic location: 3p25.3.
Variant type: single nucleotide variant.
Coding change: c.223A>C on transcript NM_000551.4 (MANE Select); coding-DNA position 223, A replaced by C.
Protein change: p.Ile75Leu; replaces isoleucine 75 with leucine.
Molecular consequence: missense variant.
Genome position (GRCh38, 1-based): chr3:10,142,070, A>C. VCF-style: chr3-10142070-A-C. GRCh37 (hg19) VCF-style: chr3-10183754-A-C.
Other names: c.223A>C, p.Ile75Leu (NM_001354723.2, NM_198156.3); short protein forms I75L.
Identifiers: ClinVar variation 411963 (VCV000411963.14), dbSNP rs1060503554, ClinGen allele CA16611074.